The following is an entry in ClinVar:

NM_002691.4(POLD1):c.590-16C>T

Gene: POLD1 (DNA polymerase delta 1, catalytic subunit; plus strand). Cytogenetic location: 19q13.33.
Variant type: single nucleotide variant.
Coding change: c.590-16C>T on transcript NM_002691.4 (MANE Select); 16 bases into the intron before coding-DNA position 590, C replaced by T.
Molecular consequence: intron variant.
Genome position (GRCh38, 1-based): chr19:50,402,189, C>T. VCF-style: chr19-50402189-C-T. GRCh37 (hg19) VCF-style: chr19-50905446-C-T.
Other names: c.590-16C>T (LRG_785t2, NM_001256849.1, NM_001308632.1 and 1 more transcripts).
Identifiers: ClinVar variation 386312 (VCV000386312.9), dbSNP rs202164858, ClinGen allele CA9595824.
Genomic context (GRCh38, chr19:50,402,189, plus strand): 5'-GTGCTCCCCCAGGATCAGCGGGTTGGAGGGTCCCCTCGGGAGGCCATTGGCTGGTCCCAG[C>T]TTCTTCCATCCACAGGCATGTTTGGGTACCACGGGCACGGCCCCTCCCCGTTCCTGCGCA-3'

ClinVar aggregate classification (germline): Benign/Likely benign. Review status: criteria provided, multiple submitters, no conflicts (2 of 4 stars). 2 submissions from 2 submitters: Benign (1); Likely benign (1). Last evaluated 2026-02-03.

Conditions:
POLD1-related polyposis and colorectal cancer syndrome (CRCS10). Also called: Colorectal cancer, susceptibility to, 10; Colorectal cancer 10; COLORECTAL CANCER, SUSCEPTIBILITY TO, ON CHROMOSOME 19q. Identifiers: Orphanet 220460, MedGen C2675481, MONDO:0012953, OMIM 612591.

Allele frequency attached by ClinVar (database versions not stated): gnomAD 0.00002 and 0.00003; TOPMed 0.00004; ExAC 0.00005; gnomAD exomes 0.00006; 1000 Genomes Project 30x 0.00016; 1000 Genomes Project 0.00020.

Submissions (2):

Labcorp Genetics (formerly Invitae), Labcorp
Classification: Benign for POLD1-related polyposis and colorectal cancer syndrome. Last evaluated: 2026-02-03. Review status: criteria provided, single submitter. Criteria: Invitae Variant Classification Sherloc (09022015). Collection method: clinical testing. Allele origin: germline.

GeneDx
Classification: Likely benign. Last evaluated: 2016-05-13. Review status: criteria provided, single submitter. Criteria: GeneDx Variant Classification (06012015). Collection method: clinical testing. Allele origin: germline. Affected: yes.
Comment: This variant is considered likely benign or benign based on one or more of the following criteria: it is a conservative change, it occurs at a poorly conserved position in the protein, it is predicted to be benign by multiple in silico algorithms, and/or has population frequency not consistent with disease.